The following is an entry in ClinVar:

NM_001684.5(ATP2B4):c.316C>T (p.Leu106Phe)

Gene: ATP2B4 (ATPase plasma membrane Ca2+ transporting 4; plus strand). Cytogenetic location: 1q32.1.
Variant type: single nucleotide variant.
Coding change: c.316C>T on transcript NM_001684.5 (MANE Select); coding-DNA position 316, C replaced by T.
Protein change: p.Leu106Phe; replaces leucine 106 with phenylalanine.
Molecular consequence: missense variant.
Genome position (GRCh38, 1-based): chr1:203,698,279, C>T. VCF-style: chr1-203698279-C-T. GRCh37 (hg19) VCF-style: chr1-203667407-C-T.
Other names: c.316C>T, p.Leu106Phe (NM_001001396.3, NM_001365783.2, NM_001365784.2); short protein forms L106F.
Identifiers: ClinVar variation 4741728 (VCV004741728.1).

ClinVar aggregate classification (germline): Uncertain significance (1 of 4 stars; one submission).

Submission:

Labcorp Genetics (formerly Invitae), Labcorp
Classification: Uncertain significance. Last evaluated: 2025-12-15. Review status: criteria provided, single submitter. Criteria: Invitae Variant Classification Sherloc (09022015). Collection method: clinical testing. Allele origin: germline.
Comment: This sequence change replaces leucine, which is neutral and non-polar, with phenylalanine, which is neutral and non-polar, at codon 106 of the ATP2B4 protein (p.Leu106Phe). This variant is not present in population databases (gnomAD no frequency). This variant has not been reported in the literature in individuals affected with ATP2B4-related conditions. Invitae Evidence Modeling of protein sequence and biophysical properties (such as structural, functional, and spatial information, amino acid conservation, physicochemical variation, residue mobility, and thermodynamic stability) indicates that this missense variant is expected to disrupt ATP2B4 protein function with a positive predictive value of 80%. In summary, the available evidence is currently insufficient to determine the role of this variant in disease. Therefore, it has been classified as a Variant of Uncertain Significance.